The following is an entry in ClinVar:

NM_152490.5(B3GALNT2):c.1329G>A (p.Met443Ile)

Gene: B3GALNT2 (beta-1,3-N-acetylgalactosaminyltransferase 2; minus strand). Cytogenetic location: 1q42.3.
Variant type: single nucleotide variant.
Coding change: c.1329G>A on transcript NM_152490.5 (MANE Select); coding-DNA position 1329, G replaced by A.
Protein change: p.Met443Ile; replaces methionine 443 with isoleucine.
Molecular consequence: missense variant.
Genome position (GRCh38, 1-based): chr1:235,453,129, C>T on the plus strand (G>A on the coding strand, the complement: B3GALNT2 is on the minus strand). VCF-style: chr1-235453129-C-T. GRCh37 (hg19) VCF-style: chr1-235616441-C-T.
Other names: short protein forms M443I.
Identifiers: ClinVar variation 1337584 (VCV001337584.4), dbSNP rs2102780504, ClinGen allele CA344956288.

ClinVar aggregate classification (germline): Uncertain significance (1 of 4 stars; one submission).

Submission:

Genetic Services Laboratory, University of Chicago
Classification: Uncertain significance. Last evaluated: 2020-05-01. Review status: criteria provided, single submitter. Criteria: ACMG Guidelines, 2015. Collection method: clinical testing. Allele origin: germline. Affected: no.
Comment: DNA sequence analysis of the B3GALNT2 gene demonstrated a sequence change, c.1329G>A, in exon 11 that results in an amino acid change, p.Met443Ile. This sequence change does not appear to have been previously described in patients with B3GALNT2-related disorders. This sequence change is absent from the large population databases (ExAC and gnomAD). The p.Met443Ile change affects a moderately conserved amino acid residue located in a domain of the B3GALNT2 protein that is known to be functional. In-silico pathogenicity prediction tools (SIFT, PolyPhen2, Align GVGD, REVEL) provide contradictory results for the p.Met443Ile substitution. Due to these contrasting evidences and the lack of functional studies, the clinical significance of the p.Met443Ile change remains unknown at this time.